The following is an entry in ClinVar:

ClinVar aggregate classification (germline): Uncertain significance. Review status: criteria provided, multiple submitters, no conflicts (2 of 4 stars). 3 submissions from 3 submitters: Uncertain significance (3). Last evaluated 2023-03-16.

Conditions:
SPG11-related disorder. Also called: SPG11-related condition.
Hereditary spastic paraplegia 11. Also called: Nakamura Osame syndrome; Autosomal recessive hereditary spastic paraplegia, mental impairment, and thin corpus callosum; Spastic paraplegia, mental retardation and thin corpus callosum; Spastic Paraplegia 11; SPASTIC PARAPLEGIA, AUTOSOMAL RECESSIVE, COMPLICATED, WITH THIN CORPUS CALLOSUM; SPASTIC PARAPLEGIA, AUTOSOMAL RECESSIVE, WITH MENTAL IMPAIRMENT AND THIN CORPUS CALLOSUM. Identifiers: Orphanet 2822, MedGen C1858479, MONDO:0011445, OMIM 604360.

Allele frequency attached by ClinVar (database versions not stated): gnomAD exomes below 0.00001.
gnomAD v4.1: 11 of 1,614,218 alleles (0.00068%); highest among the groups gnomAD compares: Admixed American, 0.0017%; no homozygotes.

Submissions (3):

PreventionGenetics, part of Exact Sciences
Classification: Uncertain significance for SPG11-related condition. Last evaluated: 2023-03-16. Review status: criteria provided, single submitter. Criteria: ACMG Guidelines, 2015. Collection method: clinical testing. Allele origin: germline.
Comment: The SPG11 c.726A>C variant is predicted to result in the amino acid substitution p.Lys242Asn. To our knowledge, this variant has not been reported in the literature. This variant is reported in 0.0029% of alleles in individuals of Latino descent in gnomAD. At this time, the clinical significance of this variant is uncertain due to the absence of conclusive functional and genetic evidence.

Blueprint Genetics
Classification: Uncertain significance. Last evaluated: 2022-12-09. Review status: criteria provided, single submitter. Criteria: ACMG Guidelines, 2015. Collection method: clinical testing. Allele origin: germline.

Labcorp Genetics (formerly Invitae), Labcorp
Classification: Uncertain significance for Hereditary spastic paraplegia 11. Last evaluated: 2021-11-06. Review status: criteria provided, single submitter. Criteria: Invitae Variant Classification Sherloc (09022015). Collection method: clinical testing. Allele origin: germline.
Comment: This sequence change replaces lysine, which is basic and polar, with asparagine, which is neutral and polar, at codon 242 of the SPG11 protein (p.Lys242Asn). This variant is present in population databases (no rsID available, gnomAD 0.003%). This variant has not been reported in the literature in individuals affected with SPG11-related conditions. ClinVar contains an entry for this variant (Variation ID: 969797). Algorithms developed to predict the effect of missense changes on protein structure and function are either unavailable or do not agree on the potential impact of this missense change (SIFT: "Deleterious"; PolyPhen-2: "Benign"; Align-GVGD: "Class C0"). In summary, the available evidence is currently insufficient to determine the role of this variant in disease. Therefore, it has been classified as a Variant of Uncertain Significance.

NM_025137.4(SPG11):c.726A>C (p.Lys242Asn)

Gene: SPG11 (SPG11 vesicle trafficking associated, spatacsin; minus strand). Cytogenetic location: 15q21.1.
Variant type: single nucleotide variant.
Coding change: c.726A>C on transcript NM_025137.4 (MANE Select); coding-DNA position 726, A replaced by C.
Protein change: p.Lys242Asn; replaces lysine 242 with asparagine.
Molecular consequence: missense variant.
Genome position (GRCh38, 1-based): chr15:44,657,238, T>G on the plus strand (A>C on the coding strand, the complement: SPG11 is on the minus strand). VCF-style: chr15-44657238-T-G. GRCh37 (hg19) VCF-style: chr15-44949436-T-G.
Other names: c.726A>C, p.Lys242Asn (NM_001160227.2); short protein forms K242N.
Identifiers: ClinVar variation 969797 (VCV000969797.6), dbSNP rs1369058889, ClinGen allele CA392237425.